The following is an entry in ClinVar:

ClinVar aggregate classification (germline): Uncertain significance (1 of 4 stars; one submission).

Conditions:
RFT1-congenital disorder of glycosylation (CDG1N). Also called: Congenital disorder of glycosylation type In; RFT1-CDG; CDG In. Identifiers: Orphanet 244310, MedGen C2677590, MONDO:0012783, OMIM 612015.

Allele frequency attached by ClinVar (database versions not stated): gnomAD 0.00001; TOPMed 0.00002.
gnomAD v4.1: 23 of 1,614,042 alleles (0.0014%); highest among the groups gnomAD compares: Non-Finnish European, 0.0019%; no homozygotes.

Submission:

Labcorp Genetics (formerly Invitae), Labcorp
Classification: Uncertain significance for RFT1-congenital disorder of glycosylation. Last evaluated: 2023-12-07. Review status: criteria provided, single submitter. Criteria: Invitae Variant Classification Sherloc (09022015). Collection method: clinical testing. Allele origin: germline.
Comment: This sequence change replaces threonine, which is neutral and polar, with isoleucine, which is neutral and non-polar, at codon 58 of the RFT1 protein (p.Thr58Ile). This variant is present in population databases (rs777579636, gnomAD 0.002%). This variant has not been reported in the literature in individuals affected with RFT1-related conditions. ClinVar contains an entry for this variant (Variation ID: 2185915). Advanced modeling of protein sequence and biophysical properties (such as structural, functional, and spatial information, amino acid conservation, physicochemical variation, residue mobility, and thermodynamic stability) performed at Invitae indicates that this missense variant is not expected to disrupt RFT1 protein function with a negative predictive value of 80%. In summary, the available evidence is currently insufficient to determine the role of this variant in disease. Therefore, it has been classified as a Variant of Uncertain Significance.

NM_052859.4(RFT1):c.173C>T (p.Thr58Ile)

Gene: RFT1 (RFT1 glycolipid translocator homolog; minus strand). Cytogenetic location: 3p21.1.
Variant type: single nucleotide variant.
Coding change: c.173C>T on transcript NM_052859.4 (MANE Select); coding-DNA position 173, C replaced by T.
Protein change: p.Thr58Ile; replaces threonine 58 with isoleucine.
Molecular consequence: missense variant.
Genome position (GRCh38, 1-based): chr3:53,123,817, G>A on the plus strand (C>T on the coding strand, the complement: RFT1 is on the minus strand). VCF-style: chr3-53123817-G-A. GRCh37 (hg19) VCF-style: chr3-53157833-G-A.
Other names: short protein forms T58I.
Identifiers: ClinVar variation 2185915 (VCV002185915.4), dbSNP rs777579636, ClinGen allele CA2451514.